The following is an entry in ClinVar:

NM_006182.4(DDR2):c.79C>T (p.Pro27Ser)

Gene: DDR2 (discoidin domain receptor tyrosine kinase 2; plus strand). Cytogenetic location: 1q23.3.
Variant type: single nucleotide variant.
Coding change: c.79C>T on transcript NM_006182.4 (MANE Select); coding-DNA position 79, C replaced by T.
Protein change: p.Pro27Ser; replaces proline 27 with serine.
Molecular consequence: missense variant.
Genome position (GRCh38, 1-based): chr1:162,719,142, C>T. VCF-style: chr1-162719142-C-T. GRCh37 (hg19) VCF-style: chr1-162688932-C-T.
Other names: c.79C>T, p.Pro27Ser (NM_001014796.3, NM_001354982.2, NM_001354983.2); short protein forms P27S.
Identifiers: ClinVar variation 1024122 (VCV001024122.5), dbSNP rs1411228765, ClinGen allele CA343403464.

ClinVar aggregate classification (germline): Uncertain significance (1 of 4 stars; one submission).

Allele frequency attached by ClinVar (database versions not stated): TOPMed below 0.00001.
gnomAD v4.1: 1 of 1,613,746 alleles (0.000062%); highest among the groups gnomAD compares: Middle Eastern, 0.017%; no homozygotes.

Submission:

Labcorp Genetics (formerly Invitae), Labcorp
Classification: Uncertain significance. Last evaluated: 2022-06-27. Review status: criteria provided, single submitter. Criteria: Invitae Variant Classification Sherloc (09022015). Collection method: clinical testing. Allele origin: germline.
Comment: In summary, the available evidence is currently insufficient to determine the role of this variant in disease. Therefore, it has been classified as a Variant of Uncertain Significance. Algorithms developed to predict the effect of missense changes on protein structure and function are either unavailable or do not agree on the potential impact of this missense change (SIFT: "Deleterious"; PolyPhen-2: "Benign"; Align-GVGD: "Class C0"). ClinVar contains an entry for this variant (Variation ID: 1024122). This variant has not been reported in the literature in individuals affected with DDR2-related conditions. This variant is not present in population databases (gnomAD no frequency). This sequence change replaces proline, which is neutral and non-polar, with serine, which is neutral and polar, at codon 27 of the DDR2 protein (p.Pro27Ser).